The following is an entry in ClinVar:

NM_004260.4(RECQL4):c.3443C>G (p.Ser1148Cys)

Gene: RECQL4 (RecQ like helicase 4; minus strand). Cytogenetic location: 8q24.3.
Variant type: single nucleotide variant.
Coding change: c.3443C>G on transcript NM_004260.4 (MANE Select); coding-DNA position 3443, C replaced by G.
Protein change: p.Ser1148Cys; replaces serine 1148 with cysteine.
Molecular consequence: missense variant.
Genome position (GRCh38, 1-based): chr8:144,511,740, G>C on the plus strand (C>G on the coding strand, the complement: RECQL4 is on the minus strand). VCF-style: chr8-144511740-G-C. GRCh37 (hg19) VCF-style: chr8-145737123-G-C.
Other names: short protein forms S1148C.
Identifiers: ClinVar variation 1356422 (VCV001356422.6), dbSNP rs35346077, ClinGen allele CA372667128.

ClinVar aggregate classification (germline): Uncertain significance (1 of 4 stars; one submission).

Conditions:
Baller-Gerold syndrome (BGS). Also called: CRANIOSYNOSTOSIS WITH RADIAL DEFECTS. Identifiers: Orphanet 1225, MedGen C0265308, MONDO:0009039, OMIM 218600.

Submission:

Labcorp Genetics (formerly Invitae), Labcorp
Classification: Uncertain significance for Baller-Gerold syndrome. Last evaluated: 2021-10-05. Review status: criteria provided, single submitter. Criteria: Invitae Variant Classification Sherloc (09022015). Collection method: clinical testing. Allele origin: germline.
Comment: Experimental studies and prediction algorithms are not available or were not evaluated, and the functional significance of this variant is currently unknown. This variant has not been reported in the literature in individuals affected with RECQL4-related conditions. This variant is not present in population databases (ExAC no frequency). This sequence change replaces serine with cysteine at codon 1148 of the RECQL4 protein (p.Ser1148Cys). The serine residue is highly conserved and there is a moderate physicochemical difference between serine and cysteine. In summary, the available evidence is currently insufficient to determine the role of this variant in disease. Therefore, it has been classified as a Variant of Uncertain Significance.